The following is an entry in ClinVar:

NM_213649.2(SFXN4):c.415-6C>T

Gene: SFXN4 (sideroflexin 4; minus strand). Cytogenetic location: 10q26.11.
Variant type: single nucleotide variant.
Coding change: c.415-6C>T on transcript NM_213649.2 (MANE Select); 6 bases into the intron before coding-DNA position 415, C replaced by T.
Molecular consequence: intron variant.
Genome position (GRCh38, 1-based): chr10:119,157,933, G>A on the plus strand (C>T on the coding strand, the complement: SFXN4 is on the minus strand). VCF-style: chr10-119157933-G-A. GRCh37 (hg19) VCF-style: chr10-120917445-G-A.
Identifiers: ClinVar variation 380007 (VCV000380007.15), dbSNP rs2275111, ClinGen allele CA5714540.
Genomic context (GRCh38, chr10:119,157,933, plus strand): 5'-AACTTCTGTTTCCATTGATGCTGTTGAACGCTGCCATGTAGGCACAGAGGAAAACCTGCC[G>A]AGAGGGGCAAATGGATCGCATTTTCGTTTCAAGCATAACAGAATTTAGTAATCGTGAAAC-3'

ClinVar aggregate classification (germline): Benign. Review status: criteria provided, multiple submitters, no conflicts (2 of 4 stars). 5 submissions from 5 submitters: Benign (4). 1 of the submissions does not count toward it. Last evaluated 2026-02-02.

Conditions:
Growth and developmental delay-hypotonia-vision impairment-lactic acidosis syndrome. Also called: Combined oxidative phosphorylation deficiency 18. Identifiers: Orphanet 391348, MedGen C3810001, MONDO:0014261, OMIM 615578.

Allele frequency attached by ClinVar (database versions not stated): gnomAD 0.48143 and 0.48448; ESP Exome Variant Server 0.48239; TOPMed 0.48856; ExAC 0.49632; gnomAD exomes 0.49901 and 0.50164; 1000 Genomes Project 30x 0.50640; 1000 Genomes Project 0.50998.
gnomAD v4.1: 807,450 of 1,613,640 alleles (50%); highest among the groups gnomAD compares: East Asian, 69%; 203,917 homozygotes.

Submissions (5):

Labcorp Genetics (formerly Invitae), Labcorp
Classification: Benign. Last evaluated: 2026-02-02. Review status: criteria provided, single submitter. Criteria: Invitae Variant Classification Sherloc (09022015). Collection method: clinical testing. Allele origin: germline.

Genome-Nilou Lab
Classification: Benign for Growth and developmental delay-hypotonia-vision impairment-lactic acidosis syndrome. Last evaluated: 2021-07-15. Review status: criteria provided, single submitter. Criteria: ACMG Guidelines, 2015. Collection method: clinical testing. Allele origin: germline. Affected: no.

GeneDx
Classification: Benign. Last evaluated: 2015-12-02. Review status: criteria provided, single submitter. Criteria: GeneDx Variant Classification (06012015). Collection method: clinical testing. Allele origin: germline. Affected: yes.
Comment: This variant is considered likely benign or benign based on one or more of the following criteria: it is a conservative change, it occurs at a poorly conserved position in the protein, it is predicted to be benign by multiple in silico algorithms, and/or has population frequency not consistent with disease.

Breakthrough Genomics
Classification: Benign. Review status: criteria provided, single submitter. Criteria: ACMG Guidelines, 2015. Collection method: not provided. Allele origin: germline. Inheritance: Autosomal recessive inheritance. Affected: yes.

Mayo Clinic Laboratories, Mayo Clinic
Classification: Benign. Last evaluated: 2016-02-19. Review status: no assertion criteria provided. Collection method: clinical testing. Allele origin: unknown. Not counted in ClinVar's aggregate classification.